The following is an entry in ClinVar:

ClinVar aggregate classification (germline): Conflicting classifications of pathogenicity. Review status: criteria provided, conflicting classifications (1 of 4 stars). 3 submissions from 3 submitters: Likely pathogenic (2); Uncertain significance (1). Last evaluated 2025-02-21.

Conditions:
Propionic acidemia (PROP). Also called: GLYCINEMIA, KETOTIC; HYPERGLYCINEMIA WITH KETOACIDOSIS AND LEUKOPENIA; KETOTIC HYPERGLYCINEMIA. Identifiers: Orphanet 35, MedGen C0268579, MONDO:0011628, OMIM 606054, HP:0003571.

Submissions (3):

Natera, Inc.
Classification: Likely pathogenic for Propionic acidemia. Last evaluated: 2025-02-21. Review status: criteria provided, single submitter. Criteria: Natera Variant Classification Schema (03/2026). Collection method: clinical testing. Allele origin: germline.
Comment: The c.1088C>T variant in PCCB is a missense variant predicted to cause substitution of serine to leucine at amino acid 363. This variant is rare in the general population with a frequency below the threshold expected for the associated phenotype(s). This variant has been observed in one or more individuals affected with the associated recessive disease, as either homozygous or compound heterozygous with a second variant (PMID: 30705822). A different variant at the same position has been determined to be Pathogenic or Likely Pathogenic. Computational prediction algorithms indicate this variant is likely to affect gene or protein function. Given the available evidence, this variant is classified as Likely Pathogenic.

Genomic Medicine Center of Excellence, King Faisal Specialist Hospital and Research Centre
Classification: Likely pathogenic for Propionic acidemia. Last evaluated: 2024-12-19. Review status: criteria provided, single submitter. Criteria: ACMG Guidelines, 2015. Collection method: clinical testing. Allele origin: germline.

Labcorp Genetics (formerly Invitae), Labcorp
Classification: Uncertain significance for Propionic acidemia. Last evaluated: 2021-09-18. Review status: criteria provided, single submitter. Criteria: Invitae Variant Classification Sherloc (09022015). Collection method: clinical testing. Allele origin: germline.
Comment: This sequence change replaces serine with leucine at codon 363 of the PCCB protein (p.Ser363Leu). The serine residue is highly conserved and there is a large physicochemical difference between serine and leucine. This variant is not present in population databases (ExAC no frequency). This missense change has been observed in individual(s) with propionic acidemia (PMID: 30705822). Algorithms developed to predict the effect of missense changes on protein structure and function are either unavailable or do not agree on the potential impact of this missense change (SIFT: "Deleterious"; PolyPhen-2: "Possibly Damaging"; Align-GVGD: "Class C15"). This variant disrupts the p.Ser363 amino acid residue in PCCB. Other variant(s) that disrupt this residue have been observed in individuals with PCCB-related conditions (PMID: 25636094), which suggests that this may be a clinically significant amino acid residue. In summary, the available evidence is currently insufficient to determine the role of this variant in disease. Therefore, it has been classified as a Variant of Uncertain Significance.

Literature cited by the submitters: PubMed 30705822 (cited by Natera, Inc. and Labcorp Genetics (formerly Invitae), Labcorp); PubMed 25636094 (cited by Labcorp Genetics (formerly Invitae), Labcorp).

NM_000532.5(PCCB):c.1088C>T (p.Ser363Leu)

Gene: PCCB (propionyl-CoA carboxylase subunit beta; plus strand). Cytogenetic location: 3q22.3.
Variant type: single nucleotide variant.
Coding change: c.1088C>T on transcript NM_000532.5 (MANE Select); coding-DNA position 1088, C replaced by T.
Protein change: p.Ser363Leu; replaces serine 363 with leucine.
Molecular consequence: missense variant.
Genome position (GRCh38, 1-based): chr3:136,317,062, C>T. VCF-style: chr3-136317062-C-T. GRCh37 (hg19) VCF-style: chr3-136035904-C-T.
Other names: c.1148C>T, p.Ser383Leu (NM_001178014.2); c.1088C>T (NM_000532.4); short protein forms S383L, S363L.
Identifiers: ClinVar variation 1511343 (VCV001511343.6), dbSNP rs2108226720, ClinGen allele CA354647440.